The following is an entry in ClinVar:

ClinVar aggregate classification (germline): Uncertain significance (1 of 4 stars; one submission).

Submission:

Ambry Genetics
Classification: Uncertain significance. Last evaluated: 2024-03-08. Review status: criteria provided, single submitter. Criteria: Ambry Variant Classification Scheme 2023. Collection method: clinical testing. Allele origin: germline.
Comment: The p.L175I variant (also known as c.523T>A), located in coding exon 1 of the PALLD gene, results from a T to A substitution at nucleotide position 523. The leucine at codon 175 is replaced by isoleucine, an amino acid with highly similar properties. This amino acid position is conserved. In addition, this alteration is predicted to be tolerated by in silico analysis. Since supporting evidence is limited at this time, the clinical significance of this alteration remains unclear.

NM_001166108.2(PALLD):c.523T>A (p.Leu175Ile)

Gene: PALLD (palladin, cytoskeletal associated protein; plus strand). Cytogenetic location: 4q32.3.
Variant type: single nucleotide variant.
Coding change: c.523T>A on transcript NM_001166108.2 (MANE Select); coding-DNA position 523, T replaced by A.
Protein change: p.Leu175Ile; replaces leucine 175 with isoleucine.
Molecular consequence: missense variant.
Genome position (GRCh38, 1-based): chr4:168,512,027, T>A. VCF-style: chr4-168512027-T-A. GRCh37 (hg19) VCF-style: chr4-169433178-T-A.
Other names: c.523T>A, p.Leu175Ile (NM_016081.4); short protein forms L175I.
Identifiers: ClinVar variation 1746297 (VCV001746297.2), dbSNP rs781566722, ClinGen allele CA109883325.
Genomic context (GRCh38, chr4:168,512,027, plus strand): 5'-AAAACGCCACATCAAAGAAAGGGTGGCCCCCAGAGCCAGCTGTGTGACAAGGCAGCTAAT[T>A]TAATTGAGGAGCTAACATCCATATTTAAAGCCGCAAAGCCAAGAAACAGAAGCCCAAATG-3'
Protein context (NP_001159580.1, residues 165-185): QSQLCDKAAN[Leu175Ile]IEELTSIFKA